The following is an entry in ClinVar:

ClinVar aggregate classification (germline): Benign/Likely benign. Review status: criteria provided, multiple submitters, no conflicts (2 of 4 stars). 4 submissions from 4 submitters: Benign (1); Likely benign (3). Last evaluated 2025-05-30.

Conditions:
Familial cancer of breast. Also called: Hereditary breast cancer; BREAST CANCER, FAMILIAL; hereditary breast carcinoma. Identifiers: Orphanet 227535, MedGen C0346153, MONDO:0016419, OMIM 114480. Disease mechanism: loss of function.
Ataxia-telangiectasia syndrome (AT). Also called: AT, COMPLEMENTATION GROUP C; Ataxia telangiectasia (A-T); LOUIS-BAR SYNDROME; Ataxia-telangiectasia, complementation group D; Ataxia-telangiectasia, complementation group E; ATAXIA-TELANGIECTASIA, COMPLEMENTATION GROUP A. Identifiers: Orphanet 100, MedGen C0004135, MONDO:0008840, OMIM 208900.
Hereditary cancer-predisposing syndrome. Also called: Hereditary Cancer Syndrome; Tumor predisposition; Neoplastic Syndromes, Hereditary; Hereditary neoplastic syndrome. Identifiers: Orphanet 140162, MedGen C0027672, MeSH D009386, MONDO:0015356.

Allele frequency attached by ClinVar (database versions not stated): ExAC 0.00001; gnomAD 0.00001; 1000 Genomes Project 30x 0.00016; 1000 Genomes Project 0.00020.
gnomAD v4.1: 1 of 1,606,394 alleles (0.000062%); highest among the groups gnomAD compares: African/African-American, 0.0013%; no homozygotes.

Submissions (4):

Color Diagnostics, LLC DBA Color Health
Classification: Likely benign for Hereditary cancer-predisposing syndrome. Last evaluated: 2025-05-30. Review status: criteria provided, single submitter. Criteria: ACMG Guidelines, 2015. Collection method: clinical testing. Allele origin: germline.

Ambry Genetics
Classification: Likely benign for Hereditary cancer-predisposing syndrome. Last evaluated: 2024-12-01. Review status: criteria provided, single submitter. Criteria: Ambry Variant Classification Scheme 2023. Collection method: clinical testing. Allele origin: germline.

Myriad Genetics, Inc.
Classification: Benign for Familial cancer of breast. Last evaluated: 2024-04-23. Review status: criteria provided, single submitter. Criteria: Myriad Autosomal Dominant, Autosomal Recessive and X-Linked Classification Criteria (2023). Collection method: clinical testing. Allele origin: unknown.
Comment: This variant is considered benign. This variant is a silent/synonymous amino acid change and it is not expected to impact splicing.

Labcorp Genetics (formerly Invitae), Labcorp
Classification: Likely benign for Ataxia-telangiectasia syndrome. Last evaluated: 2023-04-06. Review status: criteria provided, single submitter. Criteria: Invitae Variant Classification Sherloc (09022015). Collection method: clinical testing. Allele origin: germline.

NM_000051.4(ATM):c.891C>T (p.Thr297=)

Gene: ATM (ATM serine/threonine kinase; plus strand). Cytogenetic location: 11q22.3.
Variant type: single nucleotide variant.
Coding change: c.891C>T on transcript NM_000051.4 (MANE Select); coding-DNA position 891, C replaced by T.
Protein change: p.Thr297=; no amino-acid change (threonine 297 retained).
Molecular consequence: synonymous variant.
Genome position (GRCh38, 1-based): chr11:108,245,016, C>T. VCF-style: chr11-108245016-C-T. GRCh37 (hg19) VCF-style: chr11-108115743-C-T.
Other names: c.891C>T, p.Thr297= (NM_001351834.2).
Identifiers: ClinVar variation 2108064 (VCV002108064.7), dbSNP rs575285986, ClinGen allele CA6264691.